The following is an entry in ClinVar:

ClinVar aggregate classification (germline): Likely pathogenic (1 of 4 stars; one submission).

Conditions:
Cardiovascular phenotype. Identifiers: MedGen CN230736.

Submission:

Ambry Genetics
Classification: Likely pathogenic for Cardiovascular phenotype. Last evaluated: 2025-10-30. Review status: criteria provided, single submitter. Criteria: Ambry Variant Classification Scheme 2023. Collection method: clinical testing. Allele origin: germline.
Comment: The c.63266_63267delCT variant, located in coding exon 162 of the TTN gene, results from a deletion of two nucleotides at nucleotide positions 63266 to 63267, causing a translational frameshift with a predicted alternate stop codon (p.P21089Lfs*2). This exon is located in the A-band region of the N2-B isoform of the titin protein and is constitutively expressed in TTN transcripts (percent spliced in or PSI 100%). This variant was reported in individual(s) with features consistent with dilated cardiomyopathy (Ambry internal data). This variant is considered to be rare based on population cohorts in the Genome Aggregation Database (gnomAD). This variant is expected to result in loss of function by premature protein truncation or nonsense-mediated mRNA decay. While truncating variants in TTN are present in 1-3% of the general population, truncating variants in the A-band are the most common cause of dilated cardiomyopathy (Herman DS et al. N. Engl. J. Med., 2012 Feb;366:619-28; Roberts AM et al. Sci Transl Med, 2015 Jan;7:270ra6). TTN truncating variants encoded in constitutive exons (PSI >90%) have been found to be significantly associated with DCM regardless of their position in titin (Schafer S et al. Nat. Genet., 2017 01;49:46-53; Akhtar MM et al. Circ Heart Fail, 2020 Oct;13:e006832; Massier M et al. Clin Genet, 2025 Jan). Based on the majority of available evidence to date, this variant is likely to be pathogenic.

NM_001267550.2(TTN):c.90461_90462del (p.Pro30154fs)

Genes: TTN (titin; minus strand), TTN-AS1 (TTN antisense RNA 1; plus strand). Cytogenetic location: 2q31.2.
Variant type: Deletion.
Coding change: c.90461_90462del on transcript NM_001267550.2 (MANE Select); coding-DNA positions 90461 to 90462, 2 bases deleted (CT; older notation c.90461_90462delCT).
Protein change: p.Pro30154fs; shifts the reading frame from proline 30154.
Molecular consequence: frameshift variant.
Genome position (GRCh38, 1-based): chr2:178,552,438-178,552,439, AG deleted on the plus strand (CT on the coding strand, the reverse complement: TTN is on the minus strand). VCF-style (leftmost placement, unchanged base first): chr2-178552437-AAG-A. GRCh37 (hg19) VCF-style: chr2-179417164-AAG-A.
Other names: c.63266_63267delCT (NM_003319.4); c.85538_85539del, p.Pro28513fs (NM_001256850.1); c.63266_63267del, p.Pro21089fs (NM_003319.4); c.82757_82758del, p.Pro27586fs (NM_133378.4); c.63641_63642del, p.Pro21214fs (NM_133432.3); c.63842_63843del, p.Pro21281fs (NM_133437.4); short protein forms P27586fs, P21089fs, P21214fs, P21281fs, P28513fs, P30154fs.
Identifiers: ClinVar variation 4615341 (VCV004615341.1).